The following is an entry in ClinVar:

NM_018076.5(ODAD2):c.1386+5G>A

Gene: ODAD2 (outer dynein arm docking complex subunit 2; minus strand). Cytogenetic location: 10p12.1.
Variant type: single nucleotide variant.
Coding change: c.1386+5G>A on transcript NM_018076.5 (MANE Select); 5 bases into the intron after coding-DNA position 1386, G replaced by A.
Molecular consequence: intron variant.
Genome position (GRCh38, 1-based): chr10:27,961,563, C>T on the plus strand (G>A on the coding strand, the complement: ODAD2 is on the minus strand). VCF-style: chr10-27961563-C-T. GRCh37 (hg19) VCF-style: chr10-28250492-C-T.
Other names: c.1386+5G>A (NM_018076.4, NM_001290020.2); c.462+5G>A (NM_001312689.2); c.-40+5G>A (NM_001290021.2).
Identifiers: ClinVar variation 969626 (VCV000969626.8), dbSNP rs188691804, ClinGen allele CA5453571.

ClinVar aggregate classification (germline): Uncertain significance. Review status: criteria provided, multiple submitters, no conflicts (2 of 4 stars). 3 submissions from 3 submitters: Uncertain significance (2). 1 of the submissions does not count toward it. Last evaluated 2025-12-24.

Conditions:
Primary ciliary dyskinesia 23 (CILD23). Also called: CILIARY DYSKINESIA, PRIMARY, 23, WITH OR WITHOUT SITUS INVERSUS. Identifiers: Orphanet 244, MedGen C3809548, MONDO:0014193, OMIM 615451.
Primary ciliary dyskinesia. Also called: Ciliary dyskinesia. Identifiers: Orphanet 244, MedGen C0008780, MONDO:0016575, HP:0012265.
ODAD2-related disorder. Also called: ODAD2-related condition.

Allele frequency attached by ClinVar (database versions not stated): ExAC 0.00006; gnomAD 0.00007 and 0.00008; gnomAD exomes 0.00007 and 0.00016; TOPMed 0.00008; ESP Exome Variant Server 0.00015.
gnomAD v4.1: 245 of 1,609,566 alleles (0.015%); highest among the groups gnomAD compares: Non-Finnish European, 0.019%; no homozygotes.

Submissions (3):

Labcorp Genetics (formerly Invitae), Labcorp
Classification: Uncertain significance for Primary ciliary dyskinesia 23. Last evaluated: 2025-12-24. Review status: criteria provided, single submitter. Criteria: Invitae Variant Classification Sherloc (09022015). Collection method: clinical testing. Allele origin: germline.
Comment: This sequence change falls in intron 10 of the ARMC4 gene. It does not directly change the encoded amino acid sequence of the ARMC4 protein. It affects a nucleotide within the consensus splice site. This variant is present in population databases (rs188691804, gnomAD 0.01%). This variant has not been reported in the literature in individuals affected with ARMC4-related conditions. ClinVar contains an entry for this variant (Variation ID: 969626). Variants that disrupt the consensus splice site are a relatively common cause of aberrant splicing (PMID: 17576681, 9536098). Algorithms developed to predict the effect of sequence changes on RNA splicing suggest that this variant is not likely to affect RNA splicing. In summary, the available evidence is currently insufficient to determine the role of this variant in disease. Therefore, it has been classified as a Variant of Uncertain Significance.

Ambry Genetics
Classification: Uncertain significance for Primary ciliary dyskinesia. Last evaluated: 2023-11-22. Review status: criteria provided, single submitter. Criteria: Ambry Variant Classification Scheme 2023. Collection method: clinical testing. Allele origin: germline.
Comment: The c.1386+5G>A intronic variant results from a G to A substitution 5 nucleotides after coding exon 9 in the ARMC4 gene. This nucleotide position is well conserved in available vertebrate species. In silico splice site analysis predicts that this alteration will not have any significant effect on splicing. Since supporting evidence is limited at this time, the clinical significance of this alteration remains unclear.

PreventionGenetics, part of Exact Sciences
Classification: Likely benign for ODAD2-related condition. Last evaluated: 2024-03-02. Review status: no assertion criteria provided. Collection method: clinical testing. Allele origin: germline. Not counted in ClinVar's aggregate classification.
Comment: This variant is classified as likely benign based on ACMG/AMP sequence variant interpretation guidelines (Richards et al. 2015 PMID: 25741868, with internal and published modifications).

Literature cited by the submitters: PubMed 17576681 (cited by Labcorp Genetics (formerly Invitae), Labcorp); PubMed 9536098 (cited by Labcorp Genetics (formerly Invitae), Labcorp).